The following is an entry in ClinVar:

ClinVar aggregate classification (germline): Pathogenic (1 of 4 stars; one submission).

Conditions:
Deficiency of galactokinase. Also called: Galactokinase deficiency with cataracts; GALACTOSEMIA II. Identifiers: Orphanet 352, Orphanet 79237, MedGen C0268155, MONDO:0009255, OMIM 230200.

Submission:

Labcorp Genetics (formerly Invitae), Labcorp
Classification: Pathogenic for Deficiency of galactokinase. Last evaluated: 2023-01-16. Review status: criteria provided, single submitter. Criteria: Invitae Variant Classification Sherloc (09022015). Collection method: clinical testing. Allele origin: germline.
Comment: For these reasons, this variant has been classified as Pathogenic. This variant has not been reported in the literature in individuals affected with GALK1-related conditions. This variant is not present in population databases (gnomAD no frequency). This sequence change creates a premature translational stop signal (p.Tyr318*) in the GALK1 gene. It is expected to result in an absent or disrupted protein product. Loss-of-function variants in GALK1 are known to be pathogenic (PMID: 7670469, 10790206).

Literature cited by the submitters: PubMed 7670469; PubMed 10790206.

NM_000154.2(GALK1):c.954T>A (p.Tyr318Ter)

Gene: GALK1 (galactokinase 1; minus strand). Cytogenetic location: 17q25.1.
Variant type: single nucleotide variant.
Coding change: c.954T>A on transcript NM_000154.2 (MANE Select); coding-DNA position 954, T replaced by A.
Protein change: p.Tyr318Ter; replaces tyrosine 318 with a stop codon.
Molecular consequence: nonsense.
Genome position (GRCh38, 1-based): chr17:75,758,363, A>T on the plus strand (T>A on the coding strand, the complement: GALK1 is on the minus strand). VCF-style: chr17-75758363-A-T. GRCh37 (hg19) VCF-style: chr17-73754444-A-T.
Other names: c.954T>A, p.Tyr318Ter (NM_001381985.1); short protein forms Y318*.
Identifiers: ClinVar variation 2829308 (VCV002829308.3), dbSNP rs200095299, ClinGen allele CA401099454.